The following is an entry in ClinVar:

ClinVar aggregate classification (germline): Uncertain significance. Review status: criteria provided, multiple submitters, no conflicts (2 of 4 stars). 2 submissions from 2 submitters: Uncertain significance (2). Last evaluated 2025-10-18.

Conditions:
Inborn genetic diseases. Identifiers: MedGen C0950123, MeSH D030342.

Allele frequency attached by ClinVar (database versions not stated): gnomAD exomes below 0.00001.
gnomAD v4.1: 1 of 1,609,136 alleles (0.000062%); highest among the groups gnomAD compares: African/African-American, 0.0013%; no homozygotes.

Submissions (2):

Ambry Genetics
Classification: Uncertain significance for Inborn genetic diseases. Last evaluated: 2025-10-18. Review status: criteria provided, single submitter. Criteria: Ambry Variant Classification Scheme 2023. Collection method: clinical testing. Allele origin: germline.

Labcorp Genetics (formerly Invitae), Labcorp
Classification: Uncertain significance. Last evaluated: 2022-08-08. Review status: criteria provided, single submitter. Criteria: Invitae Variant Classification Sherloc (09022015). Collection method: clinical testing. Allele origin: germline.
Comment: This variant has not been reported in the literature in individuals affected with GPR179-related conditions. This variant is not present in population databases (gnomAD no frequency). This sequence change replaces tyrosine, which is neutral and polar, with phenylalanine, which is neutral and non-polar, at codon 468 of the GPR179 protein (p.Tyr468Phe). ClinVar contains an entry for this variant (Variation ID: 1503839). In summary, the available evidence is currently insufficient to determine the role of this variant in disease. Therefore, it has been classified as a Variant of Uncertain Significance. Algorithms developed to predict the effect of missense changes on protein structure and function are either unavailable or do not agree on the potential impact of this missense change (SIFT: "Tolerated"; PolyPhen-2: "Probably Damaging"; Align-GVGD: "Class C0").

NM_001004334.4(GPR179):c.1403A>T (p.Tyr468Phe)

Gene: GPR179 (G protein-coupled receptor 179; minus strand). Cytogenetic location: 17q12.
Variant type: single nucleotide variant.
Coding change: c.1403A>T on transcript NM_001004334.4 (MANE Select); coding-DNA position 1403, A replaced by T.
Protein change: p.Tyr468Phe; replaces tyrosine 468 with phenylalanine.
Molecular consequence: missense variant.
Genome position (GRCh38, 1-based): chr17:38,335,594, T>A on the plus strand (A>T on the coding strand, the complement: GPR179 is on the minus strand). VCF-style: chr17-38335594-T-A. GRCh37 (hg19) VCF-style: chr17-36491477-T-A.
Other names: c.1403A>T (NM_001004334.2); short protein forms Y468F.
Identifiers: ClinVar variation 1503839 (VCV001503839.7), dbSNP rs1456083272, ClinGen allele CA398886928.